The following is an entry in ClinVar:

NM_194248.3(OTOF):c.505C>T (p.Arg169Trp)

Gene: OTOF (otoferlin; minus strand). Cytogenetic location: 2p23.3.
Variant type: single nucleotide variant.
Coding change: c.505C>T on transcript NM_194248.3 (MANE Select); coding-DNA position 505, C replaced by T.
Protein change: p.Arg169Trp; replaces arginine 169 with tryptophan.
Molecular consequence: missense variant.
Genome position (GRCh38, 1-based): chr2:26,516,422, G>A on the plus strand (C>T on the coding strand, the complement: OTOF is on the minus strand). VCF-style: chr2-26516422-G-A. GRCh37 (hg19) VCF-style: chr2-26739290-G-A.
Other names: c.505C>T, p.Arg169Trp (NM_001287489.2); short protein forms R169W.
Identifiers: ClinVar variation 48247 (VCV000048247.50), dbSNP rs61744348, ClinGen allele CA142915.

ClinVar aggregate classification (germline): Conflicting classifications of pathogenicity. Review status: criteria provided, conflicting classifications (1 of 4 stars). 6 submissions from 6 submitters: Uncertain significance (1); Benign (5). Last evaluated 2026-01-28.

Conditions:
Autosomal recessive nonsyndromic hearing loss 9. Also called: NEUROSENSORY NONSYNDROMIC RECESSIVE DEAFNESS 9; Deafness, autosomal recessive 9; OTOF-Related Hearing Loss; AUDITORY NEUROPATHY, AUTOSOMAL RECESSIVE, 1, TEMPERATURE-SENSITIVE. Identifiers: Orphanet 90636, MedGen C1832828, MONDO:0010986, OMIM 601071.

Allele frequency attached by ClinVar (database versions not stated): TOPMed 0.00696; ESP Exome Variant Server 0.00730; 1000 Genomes Project 0.00819; 1000 Genomes Project 30x 0.00890.
gnomAD v4.1: 2,355 of 1,613,680 alleles (0.15%); highest among the groups gnomAD compares: African/African-American, 2.3%; 30 homozygotes.

Submissions (6):

Labcorp Genetics (formerly Invitae), Labcorp
Classification: Benign. Last evaluated: 2026-01-28. Review status: criteria provided, single submitter. Criteria: Invitae Variant Classification Sherloc (09022015). Collection method: clinical testing. Allele origin: germline.

Mayo Clinic Laboratories, Mayo Clinic
Classification: Benign. Last evaluated: 2025-05-14. Review status: criteria provided, single submitter. Criteria: ACMG Guidelines, 2015. Collection method: clinical testing. Allele origin: germline. Observed: 1 variant allele.
Comment: BA1, BS2

CeGaT Center for Human Genetics Tuebingen
Classification: Benign. Last evaluated: 2023-07-01. Review status: criteria provided, single submitter. Criteria: CeGaT Center For Human Genetics Tuebingen Variant Classification Criteria Version 2. Collection method: clinical testing. Allele origin: germline. Affected: yes. Observed: 2 variant alleles.
Comment: OTOF: BS1, BS2

GeneDx
Classification: Benign. Last evaluated: 2019-03-28. Review status: criteria provided, single submitter. Criteria: GeneDx Variant Classification Process June 2021. Collection method: clinical testing. Allele origin: germline. Affected: yes.
Comment: This variant is associated with the following publications: (PMID: 31152317)

Illumina Laboratory Services, Illumina
Classification: Uncertain significance for Autosomal recessive nonsyndromic hearing loss 9. Last evaluated: 2018-01-13. Review status: criteria provided, single submitter. Criteria: ICSL Variant Classification Criteria 13 December 2019. Collection method: clinical testing. Allele origin: germline.

Laboratory for Molecular Medicine, Mass General Brigham Personalized Medicine
Classification: Benign. Last evaluated: 2013-02-07. Review status: criteria provided, single submitter. Criteria: LMM Criteria. Collection method: clinical testing. Allele origin: germline. Observed: 12 variant alleles.
Comment: Arg169Trp in exon 5A of OTOF: This variant is not expected to have clinical sign ificance because it has been identified in 2.1% (93/4406) of African American ch romosomes from a broad population by the NHLBI Exome Sequencing Project (dbSNP rs61744348).

Literature cited by the submitters: PubMed 31152317 (cited by Mayo Clinic Laboratories, Mayo Clinic).